The following is an entry in ClinVar:

ClinVar aggregate classification (germline): Likely benign. Review status: criteria provided, multiple submitters, no conflicts (2 of 4 stars). 3 submissions from 3 submitters: Likely benign (3). Last evaluated 2025-08-31.

Conditions:
Episodic ataxia type 2 (EA2). Also called: ATAXIA, EPISODIC, WITH NYSTAGMUS; ATAXIA, FAMILIAL PAROXYSMAL; CEREBELLAR ATAXIA, PAROXYSMAL, ACETAZOLAMIDE-RESPONSIVE; CEREBELLOPATHY, HEREDITARY PAROXYSMAL; EPISODIC ATAXIA, NYSTAGMUS-ASSOCIATED; ACETAZOLAMIDE-RESPONSIVE HEREDITARY PAROXYSMAL CEREBELLAR ATAXIA. Identifiers: Orphanet 97, MedGen C1720416, MONDO:0007163, OMIM 108500.
Developmental and epileptic encephalopathy, 42 (DEE42A). Also called: DEVELOPMENTAL AND EPILEPTIC ENCEPHALOPATHY 42A; EPILEPTIC ENCEPHALOPATHY, EARLY INFANTILE, 42A; Epileptic encephalopathy, early infantile, 42. Identifiers: MedGen C4310716, MONDO:0014917, OMIM 617106.
Inborn genetic diseases. Identifiers: MedGen C0950123, MeSH D030342.

Allele frequency attached by ClinVar (database versions not stated): gnomAD 0.00001; gnomAD exomes 0.00002; TOPMed 0.00003.
gnomAD v4.1: 25 of 1,609,782 alleles (0.0016%); highest among the groups gnomAD compares: Non-Finnish European, 0.0021%; no homozygotes.

Submissions (3):

Labcorp Genetics (formerly Invitae), Labcorp
Classification: Likely benign for Developmental and epileptic encephalopathy, 42; Episodic ataxia type 2. Last evaluated: 2025-08-31. Review status: criteria provided, single submitter. Criteria: Invitae Variant Classification Sherloc (09022015). Collection method: clinical testing. Allele origin: germline.

GeneDx
Classification: Likely benign. Last evaluated: 2017-12-28. Review status: criteria provided, single submitter. Criteria: GeneDx Variant Classification (06012015). Collection method: clinical testing. Allele origin: germline. Affected: yes.
Comment: This variant is considered likely benign or benign based on one or more of the following criteria: it is a conservative change, it occurs at a poorly conserved position in the protein, it is predicted to be benign by multiple in silico algorithms, and/or has population frequency not consistent with disease.

Ambry Genetics
Classification: Likely benign for Inborn genetic diseases. Last evaluated: 2017-03-29. Review status: criteria provided, single submitter. Criteria: Ambry Variant Classification Scheme 2023. Collection method: clinical testing. Allele origin: germline.

NM_001127222.2(CACNA1A):c.2397G>A (p.Pro799=)

Gene: CACNA1A (calcium voltage-gated channel subunit alpha1 A; minus strand). Cytogenetic location: 19p13.13.
Variant type: single nucleotide variant.
Coding change: c.2397G>A on transcript NM_001127222.2 (MANE Select); coding-DNA position 2397, G replaced by A.
Protein change: p.Pro799=; no amino-acid change (proline 799 retained).
Molecular consequence: synonymous variant.
Genome position (GRCh38, 1-based): chr19:13,299,236, C>T on the plus strand (G>A on the coding strand, the complement: CACNA1A is on the minus strand). VCF-style: chr19-13299236-C-T. GRCh37 (hg19) VCF-style: chr19-13410050-C-T.
Other names: c.2409G>A, p.Pro803= (NM_000068.4, NM_023035.3); c.2400G>A, p.Pro800= (NM_001127221.2, NM_001174080.2).
Identifiers: ClinVar variation 514250 (VCV000514250.8), dbSNP rs996453280, ClinGen allele CA305506589.
Genomic context (GRCh38, chr19:13,299,236, plus strand): 5'-CAAGTGCGTCTTCATGTCTGGCCGCAGGTGCCGCGTGTAGGCAGCCTTCCAGCGCTCGTC[C>T]GGGTCCATTTCGTTATACAGGGCCTCCCGGCTGGCCAGCAAGTTCTGCTTTCGCATCTCA-3'
Protein context (NP_001120694.1, residues 789-809): SREALYNEMD[Pro799=]DERWKAAYTR